The following is an entry in ClinVar:

NM_001382241.1(TNPO2):c.2620G>A (p.Asp874Asn)

Genes: TNPO2 (transportin 2; minus strand), LOC126862859 (CDK7 strongly-dependent group 2 enhancer GRCh37_chr19:12811952-12813151; plus strand). Cytogenetic location: 19p13.13.
Variant type: single nucleotide variant.
Coding change: c.2620G>A on transcript NM_001382241.1 (MANE Select); coding-DNA position 2620, G replaced by A.
Protein change: p.Asp874Asn; replaces aspartic acid 874 with asparagine.
Molecular consequence: missense variant. On other transcripts: non-coding transcript variant (6).
Genome position (GRCh38, 1-based): chr19:12,701,420, C>T on the plus strand (G>A on the coding strand, the complement: TNPO2 is on the minus strand). VCF-style: chr19-12701420-C-T. GRCh37 (hg19) VCF-style: chr19-12812234-C-T.
Other names: c.2590G>A, p.Asp864Asn (NM_001136195.2, NM_001382236.1, NM_001382237.1 and 3 more transcripts); c.2620G>A, p.Asp874Asn (NM_001136196.2, NM_001382240.1, NM_001382242.1); c.2584G>A, p.Asp862Asn (NM_001382243.1); short protein forms D862N, D874N, D864N.
Identifiers: ClinVar variation 4999887 (VCV004999887.1).

ClinVar aggregate classification (germline): Uncertain significance (1 of 4 stars; one submission).

Conditions:
TNPO2-related disorder. Also called: TNPO2-related condition.

gnomAD v4.1: 1 of 1,613,978 alleles (0.000062%); highest among the groups gnomAD compares: Non-Finnish European, 0.000085%; no homozygotes.

Submission:

PreventionGenetics, part of Exact Sciences
Classification: Uncertain significance for TNPO2-related condition. Last evaluated: 2025-09-30. Review status: criteria provided, single submitter. Criteria: ACMG Guidelines, 2015. Collection method: clinical testing. Allele origin: germline.
Comment: The TNPO2 c.2620G>A variant is predicted to result in the amino acid substitution p.Asp874Asn. To our knowledge, this variant has not been reported in the literature or in a large population database (gnomAD), indicating this variant is rare. At this time, the clinical significance of this variant is uncertain due to the absence of conclusive functional and genetic evidence.